The following is an entry in ClinVar:

NM_033310.3(KCNK4):c.136T>C (p.Phe46Leu)

Genes: KCNK4 (potassium two pore domain channel subfamily K member 4; plus strand), KCNK4-CATSPERZ (KCNK4-CATSPERZ readthrough (NMD candidate); plus strand). Cytogenetic location: 11q13.1.
Variant type: single nucleotide variant.
Coding change: c.136T>C on transcript NM_033310.3 (MANE Select); coding-DNA position 136, T replaced by C.
Protein change: p.Phe46Leu; replaces phenylalanine 46 with leucine.
Molecular consequence: missense variant. On other transcripts: non-coding transcript variant (2).
Genome position (GRCh38, 1-based): chr11:64,293,154, T>C. VCF-style: chr11-64293154-T-C. GRCh37 (hg19) VCF-style: chr11-64060626-T-C.
Other names: c.136T>C, p.Phe46Leu (NM_001317090.2, NM_033311.1); short protein forms F46L.
Identifiers: ClinVar variation 2969818 (VCV002969818.3), dbSNP rs1460974737, ClinGen allele CA381158486.

ClinVar aggregate classification (germline): Uncertain significance (1 of 4 stars; one submission).

Allele frequency attached by ClinVar (database versions not stated): TOPMed 0.00001; gnomAD 0.00002.

Submission:

Labcorp Genetics (formerly Invitae), Labcorp
Classification: Uncertain significance. Last evaluated: 2024-02-27. Review status: criteria provided, single submitter. Criteria: Invitae Variant Classification Sherloc (09022015). Collection method: clinical testing. Allele origin: germline.
Comment: This sequence change replaces phenylalanine, which is neutral and non-polar, with leucine, which is neutral and non-polar, at codon 46 of the KCNK4 protein (p.Phe46Leu). This variant is not present in population databases (gnomAD no frequency). This variant has not been reported in the literature in individuals affected with KCNK4-related conditions. An algorithm developed to predict the effect of missense changes on protein structure and function (PolyPhen-2) suggests that this variant is likely to be disruptive. In summary, the available evidence is currently insufficient to determine the role of this variant in disease. Therefore, it has been classified as a Variant of Uncertain Significance.